The following is an entry in ClinVar:

ClinVar aggregate classification (germline): Likely benign (1 of 4 stars; one submission).

Allele frequency attached by ClinVar (database versions not stated): TOPMed 0.00003; ExAC 0.00005; gnomAD 0.00005; gnomAD exomes 0.00005.
gnomAD v4.1: 87 of 1,614,006 alleles (0.0054%); highest among the groups gnomAD compares: South Asian, 0.024%; no homozygotes.

Submission:

CeGaT Center for Human Genetics Tuebingen
Classification: Likely benign. Last evaluated: 2024-01-01. Review status: criteria provided, single submitter. Criteria: CeGaT Center For Human Genetics Tuebingen Variant Classification Criteria Version 2. Collection method: clinical testing. Allele origin: germline. Affected: yes. Observed: 1 variant allele.
Comment: MYMK: BP4, BP7

NM_001080483.3(MYMK):c.159C>T (p.Pro53=)

Gene: MYMK (myomaker, myoblast fusion factor; minus strand). Cytogenetic location: 9q34.2.
Variant type: single nucleotide variant.
Coding change: c.159C>T on transcript NM_001080483.3 (MANE Select); coding-DNA position 159, C replaced by T.
Protein change: p.Pro53=; no amino-acid change (proline 53 retained).
Molecular consequence: synonymous variant.
Genome position (GRCh38, 1-based): chr9:133,520,265, G>A on the plus strand (C>T on the coding strand, the complement: MYMK is on the minus strand). VCF-style: chr9-133520265-G-A. GRCh37 (hg19) VCF-style: chr9-136385387-G-A.
Identifiers: ClinVar variation 3025532 (VCV003025532.22), dbSNP rs754955056, ClinGen allele CA5312323.
Genomic context (GRCh38, chr9:133,520,265, plus strand): 5'-CCCGTAGACACTGAAATACTCCAGGATGTCGTGACGCATGAAGCACAGCACAGACAAGCC[G>A]GGTCCATTGCAGGCATGGTGGAGCTGCCAGAAAACCCACAGGTGGTCACAGCACAAAGAG-3'
Protein context (NP_001073952.1, residues 43-63): FVALHHACNG[Pro53=]GLSVLCFMRH